The following is an entry in ClinVar:

NM_004260.4(RECQL4):c.1735C>G (p.Leu579Val)

Gene: RECQL4 (RecQ like helicase 4; minus strand). Cytogenetic location: 8q24.3.
Variant type: single nucleotide variant.
Coding change: c.1735C>G on transcript NM_004260.4 (MANE Select); coding-DNA position 1735, C replaced by G.
Protein change: p.Leu579Val; replaces leucine 579 with valine.
Molecular consequence: missense variant.
Genome position (GRCh38, 1-based): chr8:144,514,332, G>C on the plus strand (C>G on the coding strand, the complement: RECQL4 is on the minus strand). VCF-style: chr8-144514332-G-C. GRCh37 (hg19) VCF-style: chr8-145739716-G-C.
Other names: short protein forms L579V.
Identifiers: ClinVar variation 574626 (VCV000574626.8), dbSNP rs552226907, ClinGen allele CA4948675.

ClinVar aggregate classification (germline): Uncertain significance (1 of 4 stars; one submission).

Conditions:
Baller-Gerold syndrome (BGS). Also called: CRANIOSYNOSTOSIS WITH RADIAL DEFECTS. Identifiers: Orphanet 1225, MedGen C0265308, MONDO:0009039, OMIM 218600.

Allele frequency attached by ClinVar (database versions not stated): TOPMed 0.00001; gnomAD 0.00002; gnomAD exomes 0.00002; ExAC 0.00003; 1000 Genomes Project 30x 0.00031; 1000 Genomes Project 0.00040.
gnomAD v4.1: 9 of 1,607,652 alleles (0.00056%); highest among the groups gnomAD compares: Middle Eastern, 0.017%; no homozygotes.

Submission:

Labcorp Genetics (formerly Invitae), Labcorp
Classification: Uncertain significance for Baller-Gerold syndrome. Last evaluated: 2024-12-04. Review status: criteria provided, single submitter. Criteria: Invitae Variant Classification Sherloc (09022015). Collection method: clinical testing. Allele origin: germline.
Comment: This sequence change replaces leucine, which is neutral and non-polar, with valine, which is neutral and non-polar, at codon 579 of the RECQL4 protein (p.Leu579Val). This variant is present in population databases (rs552226907, gnomAD 0.02%). This variant has not been reported in the literature in individuals affected with RECQL4-related conditions. ClinVar contains an entry for this variant (Variation ID: 574626). Invitae Evidence Modeling of protein sequence and biophysical properties (such as structural, functional, and spatial information, amino acid conservation, physicochemical variation, residue mobility, and thermodynamic stability) indicates that this missense variant is not expected to disrupt RECQL4 protein function with a negative predictive value of 80%. In summary, the available evidence is currently insufficient to determine the role of this variant in disease. Therefore, it has been classified as a Variant of Uncertain Significance.